The following is an entry in ClinVar:

ClinVar aggregate classification (germline): Conflicting classifications of pathogenicity. Review status: criteria provided, conflicting classifications (1 of 4 stars). 2 submissions from 2 submitters: Uncertain significance (1); Likely benign (1). Last evaluated 2024-04-02.

Conditions:
Hereditary diffuse gastric adenocarcinoma (HDGC). Also called: DIFFUSE GASTRIC AND LOBULAR BREAST CANCER SYNDROME. Identifiers: Orphanet 26106, MedGen C1708349, MONDO:0007648, OMIM 137215.
Hereditary cancer-predisposing syndrome. Also called: Hereditary Cancer Syndrome; Hereditary neoplastic syndrome; Neoplastic Syndromes, Hereditary; Tumor predisposition. Identifiers: Orphanet 140162, MedGen C0027672, MeSH D009386, MONDO:0015356.

Submissions (2):

Ambry Genetics
Classification: Uncertain significance for Hereditary cancer-predisposing syndrome. Last evaluated: 2024-04-02. Review status: criteria provided, single submitter. Criteria: Ambry Variant Classification Scheme 2023. Collection method: clinical testing. Allele origin: germline.
Comment: The c.1712-5C>A intronic variant results from a C to A substitution 5 nucleotides upstream from coding exon 12 in the CDH1 gene. This nucleotide position is not well conserved in available vertebrate species. In silico splice site analysis predicts that this alteration will not have any significant effect on splicing. Based on the available evidence, the clinical significance of this alteration remains unclear.

Labcorp Genetics (formerly Invitae), Labcorp
Classification: Likely benign for Hereditary diffuse gastric adenocarcinoma. Last evaluated: 2023-04-09. Review status: criteria provided, single submitter. Criteria: Invitae Variant Classification Sherloc (09022015). Collection method: clinical testing. Allele origin: germline.

NM_004360.5(CDH1):c.1712-5C>A

Gene: CDH1 (cadherin 1; plus strand). Cytogenetic location: 16q22.1.
Variant type: single nucleotide variant.
Coding change: c.1712-5C>A on transcript NM_004360.5 (MANE Select); 5 bases into the intron before coding-DNA position 1712, C replaced by A.
Molecular consequence: intron variant.
Genome position (GRCh38, 1-based): chr16:68,821,996, C>A. VCF-style: chr16-68821996-C-A. GRCh37 (hg19) VCF-style: chr16-68855899-C-A.
Other names: c.164-5C>A (NM_001317185.2); c.-254-5C>A (NM_001317186.2); c.1529-5C>A (NM_001317184.2); c.1712-5C>A (NM_004360.3).
Identifiers: ClinVar variation 2854161 (VCV002854161.4), dbSNP rs1596963305, ClinGen allele CA2229980204.